The following is an entry in ClinVar:

ClinVar aggregate classification (germline): Benign. Review status: criteria provided, multiple submitters, no conflicts (2 of 4 stars). 3 submissions from 2 submitters: Benign (3). Last evaluated 2018-01-13.

Conditions:
Joubert syndrome 24 (JBTS24). Identifiers: Orphanet 475, MedGen C4084841, MONDO:0014724, OMIM 616654.
Meckel syndrome, type 8. Identifiers: Orphanet 564, MedGen C3836857, MONDO:0013482, OMIM 613885.

Allele frequency attached by ClinVar (database versions not stated): 1000 Genomes Project 0.27216; 1000 Genomes Project 30x 0.27686; gnomAD exomes 0.32789; TOPMed 0.35876; gnomAD 0.35901 and 0.36606.
gnomAD v4.1: 65,488 of 184,856 alleles (35%); highest among the groups gnomAD compares: African/African-American, 41%; 12,254 homozygotes.

Submissions (3):

Illumina Laboratory Services, Illumina
Classification: Benign for Meckel syndrome, type 8. Last evaluated: 2018-01-13. Review status: criteria provided, single submitter. Criteria: ICSL Variant Classification Criteria 13 December 2019. Collection method: clinical testing. Allele origin: germline.
Comment: This variant was observed in the ICSL laboratory as part of a predisposition screen in an ostensibly healthy population. It had not been previously curated by ICSL or reported in the Human Gene Mutation Database (HGMD: prior to June 1st, 2018), and was therefore a candidate for classification through an automated scoring system. Utilizing variant allele frequency, disease prevalence and penetrance estimates, and inheritance mode, an automated score was calculated to assess if this variant is too frequent to cause the disease. Based on the score and internal cut-off values, a variant classified as benign is not then subjected to further curation. The score for this variant resulted in a classification of benign for this disease.

Illumina Laboratory Services, Illumina
Classification: Benign for Joubert syndrome 24. Last evaluated: 2018-01-13. Review status: criteria provided, single submitter. Criteria: ICSL Variant Classification Criteria 13 December 2019. Collection method: clinical testing. Allele origin: germline.
Comment: the same text as in the submission from Illumina Laboratory Services, Illumina above.

Breakthrough Genomics
Classification: Benign. Review status: criteria provided, single submitter. Criteria: ACMG Guidelines, 2015. Collection method: not provided. Allele origin: germline. Inheritance: Autosomal recessive inheritance. Affected: yes.

NM_024809.5(TCTN2):c.*468C>T

Gene: TCTN2 (tectonic family member 2; plus strand). Cytogenetic location: 12q24.31.
Variant type: single nucleotide variant.
Coding change: c.*468C>T on transcript NM_024809.5 (MANE Select); 468 bases downstream of the stop codon, C replaced by T.
Molecular consequence: 3 prime UTR variant.
Genome position (GRCh38, 1-based): chr12:123,708,181, C>T. VCF-style: chr12-123708181-C-T. GRCh37 (hg19) VCF-style: chr12-124192728-C-T.
Other names: c.*468C>T (NM_001143850.3).
Identifiers: ClinVar variation 307569 (VCV000307569.7), dbSNP rs7398298, ClinGen allele CA10641277.
Genomic context (GRCh38, chr12:123,708,181, plus strand): 5'-CCTCTGGTGTAGCTGGGACCACAGATGCTCCACCATGCCTGGCTGTATTTTTGGTAAAGA[C>T]GGGGTTTCGCCTTGTTGCCCAGGGTGGTCTGTAACTCCTGAGCTCAGATGATCTGCCCAC-3'